The following is an entry in ClinVar:

NM_205768.3(ZBTB18):c.404A>G (p.Asp135Gly)

Gene: ZBTB18 (zinc finger and BTB domain containing 18; plus strand). Cytogenetic location: 1q44.
Variant type: single nucleotide variant.
Coding change: c.404A>G on transcript NM_205768.3 (MANE Select); coding-DNA position 404, A replaced by G.
Protein change: p.Asp135Gly; replaces aspartic acid 135 with glycine.
Molecular consequence: missense variant.
Genome position (GRCh38, 1-based): chr1:244,054,178, A>G. VCF-style: chr1-244054178-A-G. GRCh37 (hg19) VCF-style: chr1-244217480-A-G.
Other names: c.377A>G, p.Asp126Gly (NM_001278196.2, NM_006352.5); c.404A>G, p.Asp135Gly (NM_001421566.1); short protein forms D126G, D135G.
Identifiers: ClinVar variation 4282332 (VCV004282332.2).

ClinVar aggregate classification (germline): Uncertain significance (1 of 4 stars; one submission).

Submission:

GeneDx
Classification: Uncertain significance. Last evaluated: 2026-02-25. Review status: criteria provided, single submitter. Criteria: GeneDx Variant Classification Process June 2021. Collection method: clinical testing. Allele origin: germline.
Comment: Not observed at significant frequency in large population cohorts (gnomAD); In silico analysis supports that this missense variant has a deleterious effect on protein structure/function; Has not been previously published as pathogenic or benign to our knowledge